The following is an entry in ClinVar:

ClinVar aggregate classification (germline): Benign/Likely benign. Review status: criteria provided, multiple submitters, no conflicts (2 of 4 stars). 6 submissions from 6 submitters: Benign (1); Likely benign (1). 4 of the submissions do not count toward it. Last evaluated 2023-10-02.

Conditions:
Autosomal recessive limb-girdle muscular dystrophy type 2F (LGMDR6). Also called: MUSCULAR DYSTROPHY, LIMB-GIRDLE, AUTOSOMAL RECESSIVE 6; Muscular dystrophy limb-girdle with delta-sarcoglyan deficiency. Identifiers: Orphanet 219, MedGen C1832525, MONDO:0011028, OMIM 601287. Disease mechanism: Affects gamma-sarcoglycan and also disrupts the integrity of the entire sarcoglycan complex..
Dilated cardiomyopathy 1L (CMD1L). Identifiers: Orphanet 154, MedGen C1847667, MONDO:0011702, OMIM 606685.

Submissions (6):

Women's Health and Genetics/Laboratory Corporation of America, LabCorp
Classification: Benign. Last evaluated: 2023-10-02. Review status: criteria provided, single submitter. Criteria: LabCorp Variant Classification Summary - May 2015. Collection method: clinical testing. Allele origin: germline.
Comment: Variant summary: SGCD c.383-17_383-10delCTCTCTAT alters non-conserved nucleotides located at positions not widely known to affect splicing. Consensus agreement among computation tools predict no significant impact on normal splicing. However, these predictions have yet to be confirmed by functional studies. The variant allele was found at a frequency of 0.0001 in 200274 control chromosomes, predominantly at a frequency of 0.00014 within the Non-Finnish European subpopulation in the gnomAD database. The observed variant frequency within Non-Finnish European control individuals in the gnomAD database is approximately 9 fold of the estimated maximal expected allele frequency for a pathogenic variant in SGCD causing Dilated Cardiomyopathy phenotype (1.6e-05), strongly suggesting that the variant is a benign polymorphism found primarily in populations of Non-Finnish European origin. To our knowledge, no occurrence of c.383-17_383-10delCTCTCTAT in individuals affected with Dilated Cardiomyopathy and no experimental evidence demonstrating its impact on protein function have been reported. Two submitters have reported clinical-significance assessments for this variant to ClinVar after 2014. One submitter classified the variant as likely benign, and one submitter classified the variant as uncertain significance. Based on the evidence outlined above, the variant was classified as benign.

GeneDx
Classification: Likely benign. Last evaluated: 2018-02-06. Review status: criteria provided, single submitter. Criteria: GeneDx Variant Classification (06012015). Collection method: clinical testing. Allele origin: germline. Affected: yes.
Comment: This variant is considered likely benign or benign based on one or more of the following criteria: it is a conservative change, it occurs at a poorly conserved position in the protein, it is predicted to be benign by multiple in silico algorithms, and/or has population frequency not consistent with disease.

Counsyl
Classification: Uncertain significance for Dilated cardiomyopathy 1L; Autosomal recessive limb-girdle muscular dystrophy type 2F. Last evaluated: 2017-02-22. Review status: no assertion criteria provided. Collection method: clinical testing. Allele origin: unknown. Not counted in ClinVar's aggregate classification.

Laboratory for Molecular Medicine, Mass General Brigham Personalized Medicine
No classification provided. Last evaluated: 2014-03-12. Review status: no classification provided. Collection method: clinical testing. Allele origin: germline. Observed: 1 variant allele. Not counted in ClinVar's aggregate classification.

Clinical Genetics, Academic Medical Center
Classification: Benign. Review status: no assertion criteria provided. Collection method: clinical testing. Allele origin: germline. Affected: yes. Study: VKGL Data-share Consensus. Not counted in ClinVar's aggregate classification.

Diagnostic Laboratory, Department of Genetics, University Medical Center Groningen
Classification: Likely benign. Review status: no assertion criteria provided. Collection method: clinical testing. Allele origin: germline. Affected: yes. Study: VKGL Data-share Consensus. Not counted in ClinVar's aggregate classification.

NM_000337.6(SGCD):c.383-33CTCTCTAT[2]

Gene: SGCD (sarcoglycan delta; plus strand). Cytogenetic location: 5q33.3.
Variant type: Microsatellite.
Coding change: c.383-33CTCTCTAT[2] on transcript NM_000337.6 (MANE Select); two copies in a row of the 8-base unit CTCTCTAT starting at c.383-33; the reference has three copies in a row; one copy, 8 bases deleted.
Molecular consequence: intron variant.
Genome position (GRCh38, 1-based): chr5:156,594,915-156,594,922, CTCTCTAT deleted; deleting any 8 consecutive bases within chr5:156,594,899-156,594,922 gives the same sequence; the position shown is the placement nearest the transcript's 3' end. VCF-style (leftmost placement, unchanged base first): chr5-156594898-CCTCTCTAT-C. GRCh37 (hg19) VCF-style: chr5-156021908-CCTCTCTAT-C.
Other names: c.383-17_383-10delCTCTCTAT (NM_000337.6, NM_000337.5); c.380-33CTCTCTAT[2] (NM_001128209.2); c.383-33CTCTCTAT[2] (NM_172244.3); c.383-17_383-10del8 (NM_000337.5).
Identifiers: ClinVar variation 179624 (VCV000179624.9), dbSNP rs727504998, ClinGen allele CA184798.